The following is an entry in ClinVar:

NM_001367624.2(ZNF469):c.10324del (p.Arg3442fs)

Gene: ZNF469 (zinc finger protein 469; plus strand). Cytogenetic location: 16q24.2.
Variant type: Deletion.
Coding change: c.10324del on transcript NM_001367624.2 (MANE Select); coding-DNA position 10324, one base deleted (A; older notation c.10324delA).
Protein change: p.Arg3442fs; shifts the reading frame from arginine 3442.
Molecular consequence: frameshift variant.
Genome position (GRCh38, 1-based): chr16:88,437,794, A deleted. VCF-style (leftmost placement, unchanged base first): chr16-88437793-CA-C. GRCh37 (hg19) VCF-style: chr16-88504201-CA-C.
Other names: NM_001127464.1:c.10240delA; NM_001127464.1:c.10240del; NM_001127464.2:c.10240delA; c.10324delA (NM_001367624.2); short protein forms R3442fs.
Identifiers: ClinVar variation 872522 (VCV000872522.60), dbSNP rs756543273, ClinGen allele CA8225492.

ClinVar aggregate classification (germline): Conflicting classifications of pathogenicity. Review status: criteria provided, conflicting classifications (1 of 4 stars). 8 submissions from 8 submitters: Pathogenic (2); Likely pathogenic (5); Uncertain significance (1). Last evaluated 2026-03-16.

Conditions:
Brittle cornea syndrome 1 (BCS1). Also called: Corneal fragility keratoglobus, blue sclerae AND joint hypermobility; DYSGENESIS MESODERMALIS CORNEAE ET SCLERAE; CORNEAL FRAGILITY, KERATOGLOBUS, BLUE SCLERAE, JOINT HYPEREXTENSIBILITY; EDS6B; FRAGILITAS OCULI WITH JOINT HYPEREXTENSIBILITY. Identifiers: Orphanet 90354, MedGen C0268344, MONDO:0024543, OMIM 229200.
Cardiovascular phenotype. Identifiers: MedGen CN230736.
ZNF469-related disorder. Also called: ZNF469-related condition.
Ehlers-Danlos syndrome (EDS). Identifiers: Orphanet 98249, MedGen C0013720, MONDO:0020066.

Allele frequency attached by ClinVar (database versions not stated): gnomAD 0.00004; gnomAD exomes 0.00004 and 0.00005; TOPMed 0.00007; ExAC 0.00008.

Submissions (8):

Women's Health and Genetics/Laboratory Corporation of America, LabCorp
Classification: Pathogenic for Brittle cornea syndrome 1. Last evaluated: 2026-03-16. Review status: criteria provided, single submitter. Criteria: LabCorp Variant Classification Summary - May 2015. Collection method: clinical testing. Allele origin: germline.
Comment: Variant summary: ZNF469 c.10324delA (p.Arg3442GlyfsX59) results in a premature termination codon, predicted to cause a truncation of the encoded protein or absence of the protein due to nonsense mediated decay, which are commonly known mechanisms for disease. The variant allele was found at a frequency of 4.1e-05 in 144594 control chromosomes. c.10324delA has been observed in at-least two siblings from one family affected with Brittle Cornea Syndrome type 1 (Rolvien_2020). These data indicate that the variant may be associated with disease. To our knowledge, no experimental evidence demonstrating an impact on protein function has been reported. At least one downstream variant has been classified as Pathogenic/Likely Pathogenic (e.g. p.Cys3569X, p.Cys3569X) by our lab, providing evidence that the region altered by the variant is critical to protein function. The following publications have been ascertained in the context of this evaluation (PMID: 32671420). ClinVar contains an entry for this variant (Variation ID: 872522). Based on the evidence outlined above, the variant was classified as pathogenic.

Labcorp Genetics (formerly Invitae), Labcorp
Classification: Pathogenic. Last evaluated: 2025-04-08. Review status: criteria provided, single submitter. Criteria: Invitae Variant Classification Sherloc (09022015). Collection method: clinical testing. Allele origin: germline.
Comment: This sequence change creates a premature translational stop signal (p.Arg3414Glyfs*59) in the ZNF469 gene. While this is not anticipated to result in nonsense mediated decay, it is expected to disrupt the last 512 amino acid(s) of the ZNF469 protein. This variant is present in population databases (rs756543273, gnomAD 0.02%). This premature translational stop signal has been observed in individual(s) with brittle cornea syndrome (PMID: 32671420). In at least one individual the data is consistent with being in trans (on the opposite chromosome) from a pathogenic variant. It has also been observed to segregate with disease in related individuals. ClinVar contains an entry for this variant (Variation ID: 872522). This variant disrupts the C-terminus of the ZNF469 protein. Other variant(s) that disrupt this region (p.Pro3556Glnfs*136) have been observed in individuals with ZNF469-related conditions (PMID: 32671420). This suggests that this may be a clinically significant region of the protein. For these reasons, this variant has been classified as Pathogenic.

Fulgent Genetics
Classification: Likely pathogenic for Brittle cornea syndrome 1. Last evaluated: 2024-06-06. Review status: criteria provided, single submitter. Criteria: ACMG Guidelines, 2015. Collection method: clinical testing. Allele origin: germline.

GeneDx
Classification: Likely pathogenic. Last evaluated: 2024-03-25. Review status: criteria provided, single submitter. Criteria: GeneDx Variant Classification Process June 2021. Collection method: clinical testing. Allele origin: germline. Affected: yes.
Comment: Observed with another frameshift variant on the opposite allele (in trans) in two siblings with mild brittle cornea syndrome (BCS) in published literature (PMID: 32671420); Not observed at significant frequency in large population cohorts (gnomAD); Frameshift variant predicted to result in abnormal protein length as the last 512 amino acids are replaced with 58 different amino acids, and other similar variants have been reported in HGMD; This variant is associated with the following publications: (PMID: 34368841, 33739556, 32671420)

Blueprint Genetics
Classification: Likely pathogenic for ZNF469-related disorders. Last evaluated: 2022-12-23. Review status: criteria provided, single submitter. Criteria: ACMG Guidelines, 2015. Collection method: clinical testing. Allele origin: germline. Affected: yes. Observed: 5 variant alleles.

Ambry Genetics
Classification: Likely pathogenic for Cardiovascular phenotype. Last evaluated: 2022-01-06. Review status: criteria provided, single submitter. Criteria: Ambry Variant Classification Scheme 2023. Collection method: clinical testing. Allele origin: germline.
Comment: The c.10240delA variant, located in coding exon 2 of the ZNF469 gene, results from a deletion of one nucleotide at nucleotide position 10240, causing a translational frameshift with a predicted alternate stop codon (p.R3414Gfs*59). This alteration occurs at the 3' terminus of theZNF469 gene, is not expected to trigger nonsense-mediated mRNAdecay, and only impacts the last 13% of the protein. However, premature stop codons are typically deleterious in nature and a significant portion of the protein is affected (Ambry internal data). In addition, this alteration has been identified in trans with another ZNF469 frameshift in a family with brittle cornea syndrome (Rolvien T et al. Calcif Tissue Int, 2020 09;107:294-299). Based on the majority of available evidence to date, this variant is likely to be pathogenic.

Genome Diagnostics Laboratory, The Hospital for Sick Children
Classification: Likely pathogenic for Ehlers-Danlos syndrome. Last evaluated: 2021-02-01. Review status: criteria provided, single submitter. Criteria: ACMG Guidelines, 2015. Collection method: clinical testing. Allele origin: germline.

CeGaT Center for Human Genetics Tuebingen
Classification: Uncertain significance. Last evaluated: 2019-10-01. Review status: criteria provided, single submitter. Criteria: CeGaT Center For Human Genetics Tuebingen Variant Classification Criteria Version 2. Collection method: clinical testing. Allele origin: germline. Affected: yes. Observed: 1 variant allele.

Literature cited by the submitters: PubMed 33739556 (cited by Women's Health and Genetics/Laboratory Corporation of America, LabCorp); PubMed 32671420 (cited by 3 submitters); PubMed 34368841 (cited by Women's Health and Genetics/Laboratory Corporation of America, LabCorp).